The following is an entry in ClinVar:

NM_000153.4(GALC):c.581G>C (p.Gly194Ala)

Gene: GALC (galactosylceramidase; minus strand). Cytogenetic location: 14q31.3.
Variant type: single nucleotide variant.
Coding change: c.581G>C on transcript NM_000153.4 (MANE Select); coding-DNA position 581, G replaced by C.
Protein change: p.Gly194Ala; replaces glycine 194 with alanine.
Molecular consequence: missense variant.
Genome position (GRCh38, 1-based): chr14:87,984,395, C>G on the plus strand (G>C on the coding strand, the complement: GALC is on the minus strand). VCF-style: chr14-87984395-C-G. GRCh37 (hg19) VCF-style: chr14-88450739-C-G.
Other names: c.512G>C, p.Gly171Ala (NM_001201401.2); c.503G>C, p.Gly168Ala (NM_001201402.2); short protein forms G194A, G171A, G168A.
Identifiers: ClinVar variation 972207 (VCV000972207.10), dbSNP rs963756824, ClinGen allele CA264711073.
Genomic context (GRCh38, chr14:87,984,395, plus strand): 5'-ATTTTCTAAATTACAAACAAATGTCCAAAACTGAATCATATTTTAAATATATTACTAACT[C>G]CAATATAATCAATGTCCAAATCATGGTAACGCTTGGCGCCCACAATCCAGGTCACGACAT-3'
Protein context (NP_000144.2, residues 184-204): RYHDLDIDYI[Gly194Ala]IWNERSYNAN

ClinVar aggregate classification (germline): Uncertain significance. Review status: criteria provided, multiple submitters, no conflicts (2 of 4 stars). 3 submissions from 3 submitters: Uncertain significance (3). Last evaluated 2025-12-21.

Conditions:
Galactosylceramide beta-galactosidase deficiency. Also called: Leukodystrophy, Globoid Cell; Krabbe Disease; GALACTOCEREBROSIDASE DEFICIENCY; GALC DEFICIENCY; GLOBOID CELL LEUKOENCEPHALOPATHY. Identifiers: Orphanet 487, MedGen C0023521, MONDO:0009499, OMIM 245200.

Submissions (3):

Labcorp Genetics (formerly Invitae), Labcorp
Classification: Uncertain significance for Galactosylceramide beta-galactosidase deficiency. Last evaluated: 2025-12-21. Review status: criteria provided, single submitter. Criteria: Invitae Variant Classification Sherloc (09022015). Collection method: clinical testing. Allele origin: germline.
Comment: This sequence change replaces glycine, which is neutral and non-polar, with alanine, which is neutral and non-polar, at codon 194 of the GALC protein (p.Gly194Ala). This variant is not present in population databases (gnomAD no frequency). This missense change has been observed in individual(s) with GALC-related condition and/or Krabbe syndrome (PMID: 9338580, 35012964). This variant is also known as G178A. ClinVar contains an entry for this variant (Variation ID: 972207). An algorithm developed to predict the effect of missense changes on protein structure and function (PolyPhen-2) suggests that this variant is likely to be disruptive. Experimental studies have shown that this missense change affects GALC function (PMID: 27638593). In summary, the available evidence is currently insufficient to determine the role of this variant in disease. Therefore, it has been classified as a Variant of Uncertain Significance.

3billion
Classification: Uncertain significance for Galactosylceramide beta-galactosidase deficiency. Last evaluated: 2025-09-10. Review status: criteria provided, single submitter. Criteria: ACMG Guidelines, 2015. Collection method: clinical testing. Allele origin: germline. Affected: yes.
Comment: The variant is not observed in the gnomAD v4.1.0 dataset. Predicted Consequence/Location: Missense variant In silico tool predictions suggest damaging effect of the variant on gene or gene product [REVEL: 0.94 (>=0.6, sensitivity 0.68 and specificity 0.92); 3Cnet: 0.98 (> 0.75, sensitivity 0.96 and precision 0.92)]. The same nucleotide change resulting in the same amino acid change has been previously reported to be associated with GALC-related disorder (PMID: 9338580). However, the evidence of pathogenicity is insufficient at this time. Therefore, this variant is classified as VUS according to the recommendation of ACMG/AMP guideline.

Fulgent Genetics
Classification: Uncertain significance for Galactosylceramide beta-galactosidase deficiency. Last evaluated: 2021-12-17. Review status: criteria provided, single submitter. Criteria: ACMG Guidelines, 2015. Collection method: clinical testing. Allele origin: unknown.

Literature cited by the submitters: PubMed 9338580 (cited by Labcorp Genetics (formerly Invitae), Labcorp and 3billion); PubMed 35012964 (cited by Labcorp Genetics (formerly Invitae), Labcorp); PubMed 27638593 (cited by Labcorp Genetics (formerly Invitae), Labcorp).